The following is an entry in ClinVar:

ClinVar aggregate classification (germline): Likely benign. Review status: criteria provided, multiple submitters, no conflicts (2 of 4 stars). 2 submissions from 2 submitters: Likely benign (2). Last evaluated 2024-11-13.

Allele frequency attached by ClinVar (database versions not stated): gnomAD 0.00001; TOPMed 0.00001; ExAC 0.00003.

Submissions (2):

Women's Health and Genetics/Laboratory Corporation of America, LabCorp
Classification: Likely benign. Last evaluated: 2024-11-13. Review status: criteria provided, single submitter. Criteria: LabCorp Variant Classification Summary - May 2015. Collection method: clinical testing. Allele origin: germline.
Comment: Variant summary: C3 c.36G>C alters a conserved nucleotide resulting in a synonymous change. Consensus agreement among computation tools predict no significant impact on normal splicing. However, these predictions have yet to be confirmed by functional studies. The variant allele was found at a frequency of 9.5e-06 in 210998 control chromosomes. The available data on variant occurrences in the general population are insufficient to allow any conclusion about variant significance. To our knowledge, no occurrence of c.36G>C in individuals affected with C3 Deficiency and no experimental evidence demonstrating its impact on protein function have been reported. ClinVar contains an entry for this variant (Variation ID: 2896262). Based on the evidence outlined above, the variant was classified as likely benign.

Labcorp Genetics (formerly Invitae), Labcorp
Classification: Likely benign. Last evaluated: 2023-11-03. Review status: criteria provided, single submitter. Criteria: Invitae Variant Classification Sherloc (09022015). Collection method: clinical testing. Allele origin: germline.

NM_000064.4(C3):c.36G>C (p.Leu12=)

Gene: C3 (complement C3; minus strand). Cytogenetic location: 19p13.3.
Variant type: single nucleotide variant.
Coding change: c.36G>C on transcript NM_000064.4 (MANE Select); coding-DNA position 36, G replaced by C.
Protein change: p.Leu12=; no amino-acid change (leucine 12 retained).
Molecular consequence: synonymous variant.
Genome position (GRCh38, 1-based): chr19:6,720,554, C>G on the plus strand (G>C on the coding strand, the complement: C3 is on the minus strand). VCF-style: chr19-6720554-C-G. GRCh37 (hg19) VCF-style: chr19-6720565-C-G.
Identifiers: ClinVar variation 2896262 (VCV002896262.4), dbSNP rs753198295, ClinGen allele CA9129925.
Genomic context (GRCh38, chr19:6,720,554, plus strand): 5'-GGGTAGAGTCATAACCACTCACATGGGACTCCCCAGAGCCAGGGGGAGGTGGGTTAGTAG[C>G]AGGAGCAGCAGGCTGGGACCTGAGGTGGGTCCCATGGTGCTGGGACAGTGCAGGGTCAGA-3'
Protein context (NP_000055.2, residues 2-22): GPTSGPSLLL[Leu12=]LLTHLPLALG